The following is an entry in ClinVar:

NM_173651.4(FSIP2):c.12310T>A (p.Ser4104Thr)

Gene: FSIP2 (fibrous sheath interacting protein 2; plus strand). Cytogenetic location: 2q32.1.
Variant type: single nucleotide variant.
Coding change: c.12310T>A on transcript NM_173651.4 (MANE Select); coding-DNA position 12310, T replaced by A.
Protein change: p.Ser4104Thr; replaces serine 4104 with threonine.
Molecular consequence: missense variant.
Genome position (GRCh38, 1-based): chr2:185,801,616, T>A. VCF-style: chr2-185801616-T-A. GRCh37 (hg19) VCF-style: chr2-186666343-T-A.
Other names: short protein forms S4104T.
Identifiers: ClinVar variation 3039166 (VCV003039166.2), dbSNP rs115530920, ClinGen allele CA2017000.

ClinVar aggregate classification (germline): Likely benign (0 of 4 stars; one submission).

Conditions:
FSIP2-related disorder. Also called: FSIP2-related condition.

Allele frequency attached by ClinVar (database versions not stated): ExAC 0.00059; gnomAD 0.00430; TOPMed 0.00482; 1000 Genomes Project 0.00539; 1000 Genomes Project 30x 0.00562.
gnomAD v4.1: 1,172 of 1,532,788 alleles (0.076%); highest among the groups gnomAD compares: African/African-American, 1.5%; 10 homozygotes.

Submission:

PreventionGenetics, part of Exact Sciences
Classification: Likely benign for FSIP2-related condition. Last evaluated: 2019-03-25. Review status: no assertion criteria provided. Collection method: clinical testing. Allele origin: germline.
Comment: This variant is classified as likely benign based on ACMG/AMP sequence variant interpretation guidelines (Richards et al. 2015 PMID: 25741868, with internal and published modifications).